The following is an entry in ClinVar:

NM_178000.3(PTPA):c.217-998A>G

Gene: PTPA (protein phosphatase 2 phosphatase activator; plus strand). Cytogenetic location: 9q34.11.
Variant type: single nucleotide variant.
Coding change: c.217-998A>G on transcript NM_178000.3 (MANE Select); 998 bases into the intron before coding-DNA position 217, A replaced by G.
Molecular consequence: intron variant. On other transcripts: synonymous variant (1).
Genome position (GRCh38, 1-based): chr9:129,127,987, A>G. VCF-style: chr9-129127987-A-G. GRCh37 (hg19) VCF-style: chr9-131890266-A-G.
Other names: c.240A>G, p.Glu80= (NM_178001.3); c.217-998A>G (NM_021131.5); c.217-3535A>G (NM_178003.3); c.130-998A>G (NM_001271832.2); c.112-998A>G (NM_001193397.2).
Identifiers: ClinVar variation 4872163 (VCV004872163.2).

ClinVar aggregate classification (germline): Likely benign (1 of 4 stars; one submission).

gnomAD v4.1: 663 of 1,341,138 alleles (0.049%); highest among the groups gnomAD compares: Non-Finnish European, 0.061%; no homozygotes.

Submission:

CeGaT Center for Human Genetics Tuebingen
Classification: Likely benign. Last evaluated: 2026-04-01. Review status: criteria provided, single submitter. Criteria: CeGaT Center For Human Genetics Tuebingen Variant Classification Criteria Version 2. Collection method: clinical testing. Allele origin: germline. Affected: yes. Observed: 1 variant allele.
Comment: PTPA: BP4, BP7